The following is an entry in ClinVar:

ClinVar aggregate classification (germline): Uncertain significance. Review status: criteria provided, multiple submitters, no conflicts (2 of 4 stars). 4 submissions from 4 submitters: Uncertain significance (3). 1 of the submissions does not count toward it. Last evaluated 2025-01-29.

Conditions:
Microcephalic osteodysplastic primordial dwarfism type II (MOPD2). Also called: Microcephalic osteodysplastic primordial dwarfism with tooth abnormalities; MOPD II; OSTEODYSPLASTIC PRIMORDIAL DWARFISM, TYPE II. Identifiers: Orphanet 2637, MedGen C0432246, MONDO:0008872, OMIM 210720.
Inborn genetic diseases. Identifiers: MedGen C0950123, MeSH D030342.
PCNT-related disorder. Also called: PCNT-related condition.

Allele frequency attached by ClinVar (database versions not stated): ExAC 0.00001; gnomAD 0.00003; TOPMed 0.00009.
gnomAD v4.1: 43 of 1,614,018 alleles (0.0027%); highest among the groups gnomAD compares: African/African-American, 0.017%; no homozygotes.

Submissions (4):

Ambry Genetics
Classification: Uncertain significance for Inborn genetic diseases. Last evaluated: 2025-01-29. Review status: criteria provided, single submitter. Criteria: Ambry Variant Classification Scheme 2023. Collection method: clinical testing. Allele origin: germline.

Fulgent Genetics
Classification: Uncertain significance for Microcephalic osteodysplastic primordial dwarfism type II. Last evaluated: 2024-06-19. Review status: criteria provided, single submitter. Criteria: ACMG Guidelines, 2015. Collection method: clinical testing. Allele origin: germline.

Labcorp Genetics (formerly Invitae), Labcorp
Classification: Uncertain significance. Last evaluated: 2022-01-17. Review status: criteria provided, single submitter. Criteria: Invitae Variant Classification Sherloc (09022015). Collection method: clinical testing. Allele origin: germline.
Comment: This sequence change replaces arginine, which is basic and polar, with cysteine, which is neutral and slightly polar, at codon 2951 of the PCNT protein (p.Arg2951Cys). This variant is present in population databases (rs751117556, gnomAD 0.01%). This variant has not been reported in the literature in individuals affected with PCNT-related conditions. Algorithms developed to predict the effect of missense changes on protein structure and function output the following: SIFT: "Deleterious"; PolyPhen-2: "Benign"; Align-GVGD: "Class C0". The cysteine amino acid residue is found in multiple mammalian species, which suggests that this missense change does not adversely affect protein function. In summary, the available evidence is currently insufficient to determine the role of this variant in disease. Therefore, it has been classified as a Variant of Uncertain Significance.

PreventionGenetics, part of Exact Sciences
Classification: Uncertain significance for PCNT-related condition. Last evaluated: 2024-05-17. Review status: no assertion criteria provided. Collection method: clinical testing. Allele origin: germline. Not counted in ClinVar's aggregate classification.
Comment: The PCNT c.8851C>T variant is predicted to result in the amino acid substitution p.Arg2951Cys. To our knowledge, this variant has not been reported in the literature. This variant is reported in 0.012% of alleles in individuals of African descent in gnomAD. At this time, the clinical significance of this variant is uncertain due to the absence of conclusive functional and genetic evidence.

NM_006031.6(PCNT):c.8851C>T (p.Arg2951Cys)

Gene: PCNT (pericentrin; plus strand). Cytogenetic location: 21q22.3.
Variant type: single nucleotide variant.
Coding change: c.8851C>T on transcript NM_006031.6 (MANE Select); coding-DNA position 8851, C replaced by T.
Protein change: p.Arg2951Cys; replaces arginine 2951 with cysteine.
Molecular consequence: missense variant.
Genome position (GRCh38, 1-based): chr21:46,436,003, C>T. VCF-style: chr21-46436003-C-T. GRCh37 (hg19) VCF-style: chr21-47855916-C-T.
Other names: c.8851C>T (NM_006031.5); c.8260C>T, p.Arg2754Cys (NM_001315529.2); short protein forms R2951C, R2754C.
Identifiers: ClinVar variation 2145136 (VCV002145136.5), dbSNP rs751117556, ClinGen allele CA10081102.